The following is an entry in ClinVar:

NM_001366145.2(TRPM3):c.4718C>T (p.Ala1573Val)

Genes: TRPM3 (transient receptor potential cation channel subfamily M member 3; minus strand), KLF9-DT (KLF9 divergent transcript; plus strand). Cytogenetic location: 9q21.12.
Variant type: single nucleotide variant.
Coding change: c.4718C>T on transcript NM_001366145.2 (MANE Select); coding-DNA position 4718, C replaced by T.
Protein change: p.Ala1573Val; replaces alanine 1573 with valine.
Molecular consequence: missense variant. On other transcripts: intron variant (8).
Genome position (GRCh38, 1-based): chr9:70,536,395, G>A on the plus strand (C>T on the coding strand, the complement: TRPM3 is on the minus strand). VCF-style: chr9-70536395-G-A. GRCh37 (hg19) VCF-style: chr9-73151311-G-A.
Other names: c.4682C>T, p.Ala1561Val (NM_001007471.4); c.4688C>T, p.Ala1563Val (NM_001366141.2, NM_001366149.2); c.4793C>T, p.Ala1598Val (NM_001366147.2); c.4223C>T, p.Ala1408Val (NM_020952.6); c.4259C>T, p.Ala1420Val (NM_024971.7); c.4193C>T, p.Ala1398Val (NM_206944.5); c.4229C>T, p.Ala1410Val (NM_206945.5); c.4298C>T, p.Ala1433Val (NM_206946.5); and 9 more; short protein forms A1398V, A1408V, A1410V, A1420V, A1423V, A1433V, A1561V, A1563V.
Identifiers: ClinVar variation 3369979 (VCV003369979.1).

ClinVar aggregate classification (germline): Uncertain significance (1 of 4 stars; one submission).

Submission:

GeneDx
Classification: Uncertain significance. Last evaluated: 2023-12-20. Review status: criteria provided, single submitter. Criteria: GeneDx Variant Classification Process June 2021. Collection method: clinical testing. Allele origin: germline. Affected: yes.
Comment: Not observed at significant frequency in large population cohorts (gnomAD); In silico analysis supports that this missense variant does not alter protein structure/function; Has not been previously published as pathogenic or benign to our knowledge